The following is an entry in ClinVar:

NM_001018115.3(FANCD2):c.1877A>C (p.Gln626Pro)

Genes: FANCD2 (FA complementation group D2; plus strand), LOC107303338 (3p25 FANCD2 Alu-mediated recombination region; plus strand). Cytogenetic location: 3p25.3.
Variant type: single nucleotide variant.
Coding change: c.1877A>C on transcript NM_001018115.3 (MANE Select); coding-DNA position 1877, A replaced by C.
Protein change: p.Gln626Pro; replaces glutamine 626 with proline.
Molecular consequence: missense variant.
Genome position (GRCh38, 1-based): chr3:10,063,841, A>C. VCF-style: chr3-10063841-A-C. GRCh37 (hg19) VCF-style: chr3-10105525-A-C.
Other names: c.1877A>C, p.Gln626Pro (NM_001319984.2, NM_001374254.1, NM_033084.6); c.1766A>C, p.Gln589Pro (NM_001374253.1); short protein forms Q589P, Q626P.
Identifiers: ClinVar variation 3672108 (VCV003672108.2).

ClinVar aggregate classification (germline): Uncertain significance (1 of 4 stars; one submission).

Conditions:
Fanconi anemia (FA). Also called: Fanconi's anemia. Identifiers: Orphanet 84, MedGen C0015625, MeSH D005199, MONDO:0019391.

Submission:

Labcorp Genetics (formerly Invitae), Labcorp
Classification: Uncertain significance for Fanconi anemia. Last evaluated: 2024-12-09. Review status: criteria provided, single submitter. Criteria: Invitae Variant Classification Sherloc (09022015). Collection method: clinical testing. Allele origin: germline.
Comment: This sequence change replaces glutamine, which is neutral and polar, with proline, which is neutral and non-polar, at codon 626 of the FANCD2 protein (p.Gln626Pro). This variant is not present in population databases (gnomAD no frequency). This variant has not been reported in the literature in individuals affected with FANCD2-related conditions. Invitae Evidence Modeling of protein sequence and biophysical properties (such as structural, functional, and spatial information, amino acid conservation, physicochemical variation, residue mobility, and thermodynamic stability) indicates that this missense variant is not expected to disrupt FANCD2 protein function with a negative predictive value of 80%. In summary, the available evidence is currently insufficient to determine the role of this variant in disease. Therefore, it has been classified as a Variant of Uncertain Significance.